The following is an entry in ClinVar:

ClinVar aggregate classification (germline): Pathogenic (1 of 4 stars; one submission).

Conditions:
Alzheimer disease 9. Also called: ALZHEIMER DISEASE 9, SUSCEPTIBILITY TO; ALZHEIMER DISEASE 9, LATE-ONSET. Identifiers: MedGen C4282179, MONDO:0012153, OMIM 608907.

Submission:

Variantyx, Inc.
Classification: Pathogenic for Alzheimer disease 9. Last evaluated: 2025-12-10. Review status: criteria provided, single submitter. Criteria: Variantyx Assertion Criteria 2022. Collection method: clinical testing. Allele origin: germline. Inheritance: Autosomal dominant inheritance. Affected: no.
Comment: This is a frameshift variant in the ABCA7 gene (OMIM: 605414). Pathogenic variants in this gene have been associated with autosomal dominant susceptibility to Alzheimer disease 9. This variant introduces a premature termination codon in exon 18 out of 47 and is expected to result in loss of function, which is a known disease mechanism for ABCA7 in this disorder (PMID: 25807283) (PVS1). This variant has been reported in at least 2 ffected individuals (PMID: 28447221) (PS4). It has a 0.0010% maximum allele frequency in non-founder control populations (PM2). Based on the current evidence, this variant is classified as pathogenic for autosomal dominant susceptibility to Alzheimer disease 9.

Literature cited by the submitters: PubMed 25807283; PubMed 28447221.

NM_019112.4(ABCA7):c.2544del (p.Thr849fs)

Gene: ABCA7 (ATP binding cassette subfamily A member 7; plus strand). Cytogenetic location: 19p13.3.
Variant type: Deletion.
Coding change: c.2544del on transcript NM_019112.4 (MANE Select); coding-DNA position 2544, one base deleted (C; older notation c.2544delC).
Protein change: p.Thr849fs; shifts the reading frame from threonine 849.
Molecular consequence: frameshift variant.
Genome position (GRCh38, 1-based): chr19:1,049,429, C deleted; the last of 2 consecutive C bases (chr19:1,049,428-1,049,429); deleting either gives the same sequence. VCF-style (leftmost placement, unchanged base first): chr19-1049427-AC-A. GRCh37 (hg19) VCF-style: chr19-1049426-AC-A.
Other names: short protein forms T849fs.
Identifiers: ClinVar variation 4850747 (VCV004850747.1).